The following is an entry in ClinVar:

NM_032634.4(PIGO):c.701T>C (p.Val234Ala)

Gene: PIGO (phosphatidylinositol glycan anchor biosynthesis class O; minus strand). Cytogenetic location: 9p13.3.
Variant type: single nucleotide variant.
Coding change: c.701T>C on transcript NM_032634.4 (MANE Select); coding-DNA position 701, T replaced by C.
Protein change: p.Val234Ala; replaces valine 234 with alanine.
Molecular consequence: missense variant.
Genome position (GRCh38, 1-based): chr9:35,093,979, A>G on the plus strand (T>C on the coding strand, the complement: PIGO is on the minus strand). VCF-style: chr9-35093979-A-G. GRCh37 (hg19) VCF-style: chr9-35093976-A-G.
Other names: c.701T>C, p.Val234Ala (NM_001201484.2, NM_152850.4); short protein forms V234A.
Identifiers: ClinVar variation 2636468 (VCV002636468.1), dbSNP rs2490467713, ClinGen allele CA373323693.

ClinVar aggregate classification (germline): Uncertain significance (1 of 4 stars; one submission).

Conditions:
PIGO-related disorder. Also called: PIGO-related condition.

Submission:

PreventionGenetics, part of Exact Sciences
Classification: Uncertain significance for PIGO-related condition. Last evaluated: 2022-11-28. Review status: criteria provided, single submitter. Criteria: ACMG Guidelines, 2015. Collection method: clinical testing. Allele origin: germline.
Comment: The PIGO c.701T>C variant is predicted to result in the amino acid substitution p.Val234Ala. To our knowledge, this variant has not been reported in the literature or in a large population database, indicating this variant is rare. At this time, the clinical significance of this variant is uncertain due to the absence of conclusive functional and genetic evidence.